The following is an entry in ClinVar:

NM_000222.3(KIT):c.865A>G (p.Met289Val)

Gene: KIT (KIT proto-oncogene, receptor tyrosine kinase; plus strand). Cytogenetic location: 4q12.
Variant type: single nucleotide variant.
Coding change: c.865A>G on transcript NM_000222.3 (MANE Select); coding-DNA position 865, A replaced by G.
Protein change: p.Met289Val; replaces methionine 289 with valine.
Molecular consequence: missense variant.
Genome position (GRCh38, 1-based): chr4:54,703,832, A>G. VCF-style: chr4-54703832-A-G. GRCh37 (hg19) VCF-style: chr4-55569998-A-G.
Other names: c.865A>G, p.Met289Val (NM_001093772.2, NM_001385285.1, NM_001385286.1); c.868A>G, p.Met290Val (NM_001385284.1, NM_001385288.1, NM_001385290.1 and 1 more transcripts); short protein forms M289V, M290V.
Identifiers: ClinVar variation 660543 (VCV000660543.14), dbSNP rs1577963205, ClinGen allele CA356899960.

ClinVar aggregate classification (germline): Uncertain significance. Review status: criteria provided, multiple submitters, no conflicts (2 of 4 stars). 2 submissions from 2 submitters: Uncertain significance (2). Last evaluated 2025-08-15.

Conditions:
Gastrointestinal stromal tumor. Also called: Gastrointestinal stromal tumor, somatic; Gastrointestinal stroma tumor. Identifiers: Orphanet 44890, MedGen C0238198, MeSH D046152, MONDO:0011719, OMIM 606764, HP:0100723.
Hereditary cancer-predisposing syndrome. Also called: Neoplastic Syndromes, Hereditary; Tumor predisposition; Hereditary Cancer Syndrome; Hereditary neoplastic syndrome. Identifiers: Orphanet 140162, MedGen C0027672, MeSH D009386, MONDO:0015356.

Allele frequency attached by ClinVar (database versions not stated): gnomAD exomes below 0.00001.
gnomAD v4.1: 1 of 1,613,966 alleles (0.000062%); highest among the groups gnomAD compares: South Asian, 0.0011%; no homozygotes.

Submissions (2):

Ambry Genetics
Classification: Uncertain significance for Hereditary cancer-predisposing syndrome. Last evaluated: 2025-08-15. Review status: criteria provided, single submitter. Criteria: Ambry Variant Classification Scheme 2023. Collection method: clinical testing. Allele origin: germline.
Comment: The p.M289V variant (also known as c.865A>G), located in coding exon 5 of the KIT gene, results from an A to G substitution at nucleotide position 865. The methionine at codon 289 is replaced by valine, an amino acid with highly similar properties. This amino acid position is conserved. In addition, this alteration is predicted to be tolerated by in silico analysis. Since supporting evidence is limited at this time, the clinical significance of this alteration remains unclear.

Labcorp Genetics (formerly Invitae), Labcorp
Classification: Uncertain significance for Gastrointestinal stromal tumor. Last evaluated: 2024-12-03. Review status: criteria provided, single submitter. Criteria: Invitae Variant Classification Sherloc (09022015). Collection method: clinical testing. Allele origin: germline.
Comment: This sequence change replaces methionine, which is neutral and non-polar, with valine, which is neutral and non-polar, at codon 289 of the KIT protein (p.Met289Val). This variant is not present in population databases (gnomAD no frequency). This variant has not been reported in the literature in individuals affected with KIT-related conditions. ClinVar contains an entry for this variant (Variation ID: 660543). An algorithm developed to predict the effect of missense changes on protein structure and function (PolyPhen-2) suggests that this variant is likely to be tolerated. In summary, the available evidence is currently insufficient to determine the role of this variant in disease. Therefore, it has been classified as a Variant of Uncertain Significance.